The following is an entry in ClinVar:

NM_015375.3(DSTYK):c.406G>A (p.Val136Met)

Gene: DSTYK (dual serine/threonine and tyrosine protein kinase; minus strand). Cytogenetic location: 1q32.1.
Variant type: single nucleotide variant.
Coding change: c.406G>A on transcript NM_015375.3 (MANE Select); coding-DNA position 406, G replaced by A.
Protein change: p.Val136Met; replaces valine 136 with methionine.
Molecular consequence: missense variant.
Genome position (GRCh38, 1-based): chr1:205,187,666, C>T on the plus strand (G>A on the coding strand, the complement: DSTYK is on the minus strand). VCF-style: chr1-205187666-C-T. GRCh37 (hg19) VCF-style: chr1-205156794-C-T.
Other names: c.406G>A, p.Val136Met (NM_199462.3); short protein forms V136M.
Identifiers: ClinVar variation 4725228 (VCV004725228.1).
Genomic context (GRCh38, chr1:205,187,666, plus strand): 5'-TGAAGCGGAGGCGCCGAAGCTTACAGCTCTCCTCACTGCCCAGCTTGGTGGTGGGAAGCA[C>T]CTGCACCCCCAACAGCAGATTCAACAGCTGGCACTTGACGTTACAATCCTGGCCGAGGAT-3'
Protein context (NP_056190.1, residues 126-146): QLLNLLLGVQ[Val136Met]LPTTKLGSEE

ClinVar aggregate classification (germline): Uncertain significance (1 of 4 stars; one submission).

Submission:

Labcorp Genetics (formerly Invitae), Labcorp
Classification: Uncertain significance. Last evaluated: 2025-08-11. Review status: criteria provided, single submitter. Criteria: Invitae Variant Classification Sherloc (09022015). Collection method: clinical testing. Allele origin: germline.
Comment: This sequence change replaces valine, which is neutral and non-polar, with methionine, which is neutral and non-polar, at codon 136 of the DSTYK protein (p.Val136Met). This variant is not present in population databases (gnomAD no frequency). This variant has not been reported in the literature in individuals affected with DSTYK-related conditions. An algorithm developed to predict the effect of missense changes on protein structure and function (PolyPhen-2) suggests that this variant is likely to be tolerated. In summary, the available evidence is currently insufficient to determine the role of this variant in disease. Therefore, it has been classified as a Variant of Uncertain Significance.